The following is an entry in ClinVar:

NM_025179.4(PLXNA2):c.3606G>A (p.Glu1202=)

Gene: PLXNA2 (plexin A2; minus strand). Cytogenetic location: 1q32.2.
Variant type: single nucleotide variant.
Coding change: c.3606G>A on transcript NM_025179.4 (MANE Select); coding-DNA position 3606, G replaced by A.
Protein change: p.Glu1202=; no amino-acid change (glutamic acid 1202 retained).
Molecular consequence: synonymous variant.
Genome position (GRCh38, 1-based): chr1:208,045,100, C>T on the plus strand (G>A on the coding strand, the complement: PLXNA2 is on the minus strand). VCF-style: chr1-208045100-C-T. GRCh37 (hg19) VCF-style: chr1-208218445-C-T.
Identifiers: ClinVar variation 3355334 (VCV003355334.1).

ClinVar aggregate classification (germline): Likely benign (0 of 4 stars; one submission).

Conditions:
PLXNA2-related disorder. Also called: PLXNA2-related condition.

gnomAD v4.1: 25 of 1,614,072 alleles (0.0015%); highest among the groups gnomAD compares: Non-Finnish European, 0.0021%; no homozygotes.

Submission:

PreventionGenetics, part of Exact Sciences
Classification: Likely benign for PLXNA2-related condition. Last evaluated: 2024-02-01. Review status: no assertion criteria provided. Collection method: clinical testing. Allele origin: germline.
Comment: This variant is classified as likely benign based on ACMG/AMP sequence variant interpretation guidelines (Richards et al. 2015 PMID: 25741868, with internal and published modifications).